The following is an entry in ClinVar:

ClinVar aggregate classification (germline): Uncertain significance. Review status: criteria provided, multiple submitters, no conflicts (2 of 4 stars). 2 submissions from 2 submitters: Uncertain significance (2). Last evaluated 2024-12-29.

Conditions:
Hereditary cancer-predisposing syndrome. Also called: Neoplastic Syndromes, Hereditary; Tumor predisposition; Hereditary Cancer Syndrome; Hereditary neoplastic syndrome. Identifiers: Orphanet 140162, MedGen C0027672, MeSH D009386, MONDO:0015356.
DICER1-related tumor predisposition. Also called: DICER1 syndrome; DICER1-related pleuropulmonary blastoma cancer predisposition syndrome. Identifiers: Orphanet 284343, MedGen C3839822, MONDO:0100216.

Allele frequency attached by ClinVar (database versions not stated): gnomAD 0.00001; gnomAD exomes 0.00001.
gnomAD v4.1: 4 of 1,613,970 alleles (0.00025%); highest among the groups gnomAD compares: East Asian, 0.0022%; no homozygotes.

Submissions (2):

Labcorp Genetics (formerly Invitae), Labcorp
Classification: Uncertain significance for DICER1-related tumor predisposition. Last evaluated: 2024-12-29. Review status: criteria provided, single submitter. Criteria: Invitae Variant Classification Sherloc (09022015). Collection method: clinical testing. Allele origin: germline.
Comment: This sequence change replaces proline, which is neutral and non-polar, with threonine, which is neutral and polar, at codon 1484 of the DICER1 protein (p.Pro1484Thr). This variant is present in population databases (no rsID available, gnomAD 0.06%). This variant has not been reported in the literature in individuals affected with DICER1-related conditions. ClinVar contains an entry for this variant (Variation ID: 1740706). Invitae Evidence Modeling of protein sequence and biophysical properties (such as structural, functional, and spatial information, amino acid conservation, physicochemical variation, residue mobility, and thermodynamic stability) indicates that this missense variant is not expected to disrupt DICER1 protein function with a negative predictive value of 95%. In summary, the available evidence is currently insufficient to determine the role of this variant in disease. Therefore, it has been classified as a Variant of Uncertain Significance.

Ambry Genetics
Classification: Uncertain significance for Hereditary cancer-predisposing syndrome. Last evaluated: 2023-12-21. Review status: criteria provided, single submitter. Criteria: Ambry Variant Classification Scheme 2023. Collection method: clinical testing. Allele origin: germline.
Comment: The p.P1484T variant (also known as c.4450C>A), located in coding exon 22 of the DICER1 gene, results from a C to A substitution at nucleotide position 4450. The proline at codon 1484 is replaced by threonine, an amino acid with highly similar properties. This amino acid position is highly conserved in available vertebrate species. In addition, this alteration is predicted to be deleterious by in silico analysis. Since supporting evidence is limited at this time, the clinical significance of this alteration remains unclear.

NM_177438.3(DICER1):c.4450C>A (p.Pro1484Thr)

Gene: DICER1 (dicer 1, ribonuclease III; minus strand). Cytogenetic location: 14q32.13.
Variant type: single nucleotide variant.
Coding change: c.4450C>A on transcript NM_177438.3 (MANE Select); coding-DNA position 4450, C replaced by A.
Protein change: p.Pro1484Thr; replaces proline 1484 with threonine.
Molecular consequence: missense variant. On other transcripts: non-coding transcript variant (6).
Genome position (GRCh38, 1-based): chr14:95,096,470, G>T on the plus strand (C>A on the coding strand, the complement: DICER1 is on the minus strand). VCF-style: chr14-95096470-G-T. GRCh37 (hg19) VCF-style: chr14-95562807-G-T.
Other names: c.4450C>A, p.Pro1484Thr (NM_001195573.1, NM_001271282.3, NM_001291628.2 and 13 more transcripts); c.4168C>A, p.Pro1390Thr (NM_001395686.1); c.4045C>A, p.Pro1349Thr (NM_001395687.1, NM_001395688.1, NM_001395689.1 and 2 more transcripts); c.3883C>A, p.Pro1295Thr (NM_001395691.1); c.2767C>A, p.Pro923Thr (NM_001395697.1); short protein forms P1295T, P1484T, P1349T, P1390T, P923T.
Identifiers: ClinVar variation 1740706 (VCV001740706.4), dbSNP rs1184743227, ClinGen allele CA390868412.